The following is an entry in ClinVar:

ClinVar aggregate classification (germline): Pathogenic (1 of 4 stars; one submission).

Submission:

Labcorp Genetics (formerly Invitae), Labcorp
Classification: Pathogenic. Last evaluated: 2023-10-19. Review status: criteria provided, single submitter. Criteria: Invitae Variant Classification Sherloc (09022015). Collection method: clinical testing. Allele origin: germline.
Comment: This sequence change creates a premature translational stop signal (p.Ala1220Glnfs*19) in the COL18A1 gene. It is expected to result in an absent or disrupted protein product. Loss-of-function variants in COL18A1 are known to be pathogenic (PMID: 12415512, 25456301). This variant is not present in population databases (gnomAD no frequency). This variant has not been reported in the literature in individuals affected with COL18A1-related conditions. For these reasons, this variant has been classified as Pathogenic.

Literature cited by the submitters: PubMed 12415512; PubMed 25456301.

NM_001379500.1(COL18A1):c.3666_3682del (p.Ala1223fs)

Genes: COL18A1 (collagen type XVIII alpha 1 chain; plus strand), SLC19A1 (solute carrier family 19 member 1; minus strand). Cytogenetic location: 21q22.3.
Variant type: Deletion.
Coding change: c.3666_3682del on transcript NM_001379500.1 (MANE Select); coding-DNA positions 3666 to 3682, 17 bases deleted (CGCAGCCGTGCCCATCG).
Protein change: p.Ala1223fs; shifts the reading frame from alanine 1223.
Molecular consequence: frameshift variant.
Genome position (GRCh38, 1-based): chr21:45,510,234-45,510,250, CGCAGCCGTGCCCATCG deleted; deleting any 17 consecutive bases within chr21:45,510,232-45,510,250 gives the same sequence; the c. name uses the placement nearest the transcript's 3' end. VCF-style (leftmost placement, unchanged base first): chr21-45510231-CCGCGCAGCCGTGCCCAT-C. GRCh37 (hg19) VCF-style: chr21-46930145-CCGCGCAGCCGTGCCCAT-C.
Other names: c.4902_4918del, p.Ala1635fs (NM_130444.3); c.4197_4213del, p.Ala1400fs (NM_030582.4); short protein forms A1635fs, A1223fs, A1400fs.
Identifiers: ClinVar variation 2760023 (VCV002760023.3), dbSNP rs2517857761, ClinGen allele CA2697547582.
Genomic context (GRCh38, chr21:45,510,231, plus strand): 5'-CTTCCGCGCCTTCCTGTCCTCGCGCCTGCAGGACCTGTACAGCATCGTGCGCCGTGCCGA[CCGCGCAGCCGTGCCCAT>C]CGTCAACCTCAAGGTGGGTCAGTCCAGTCCTGAGGGCGCGGGCTCCTCGGCCCCCACTTG-3'